The following is an entry in ClinVar:

ClinVar aggregate classification (germline): Uncertain significance (1 of 4 stars; one submission).

Conditions:
Juvenile polyposis syndrome (JPS). Identifiers: Orphanet 2929, MedGen C0345893, MONDO:0017380, OMIM 174900.

Submission:

Labcorp Genetics (formerly Invitae), Labcorp
Classification: Uncertain significance for Juvenile polyposis syndrome. Last evaluated: 2016-06-14. Review status: criteria provided, single submitter. Criteria: Invitae Variant Classification Sherloc (09022015). Collection method: clinical testing. Allele origin: germline.
Comment: Algorithms developed to predict the effect of missense changes on protein structure and function (SIFT, PolyPhen-2, Align-GVGD) all suggest that this variant is likely to be disruptive, but these predictions have not been confirmed by published functional studies. In summary, this variant is a novel missense change with uncertain impact on protein function. It has been classified as a Variant of Uncertain Significance. This sequence change replaces arginine with proline at codon 87 of the SMAD4 protein (p.Arg87Pro). The arginine residue is highly conserved and there is a moderate physicochemical difference between arginine and proline. This variant is not present in population databases (ExAC no frequency) and has not been reported in the literature in individuals with a SMAD4-related disease.

NM_005359.6(SMAD4):c.260G>C (p.Arg87Pro)

Gene: SMAD4 (SMAD family member 4; plus strand). Cytogenetic location: 18q21.2.
Variant type: single nucleotide variant.
Coding change: c.260G>C on transcript NM_005359.6 (MANE Select); coding-DNA position 260, G replaced by C.
Protein change: p.Arg87Pro; replaces arginine 87 with proline.
Molecular consequence: missense variant.
Genome position (GRCh38, 1-based): chr18:51,048,696, G>C. VCF-style: chr18-51048696-G-C. GRCh37 (hg19) VCF-style: chr18-48575066-G-C.
Other names: short protein forms R87P.
Identifiers: ClinVar variation 405492 (VCV000405492.10), dbSNP rs1060500735, ClinGen allele CA16616066.